The following is an entry in ClinVar:

NM_003872.3(NRP2):c.991-9A>C

Gene: NRP2 (neuropilin 2; plus strand). Cytogenetic location: 2q33.3.
Variant type: single nucleotide variant.
Coding change: c.991-9A>C on transcript NM_003872.3 (MANE Select); 9 bases into the intron before coding-DNA position 991, A replaced by C.
Molecular consequence: intron variant.
Genome position (GRCh38, 1-based): chr2:205,727,882, A>C. VCF-style: chr2-205727882-A-C. GRCh37 (hg19) VCF-style: chr2-206592606-A-C.
Other names: c.991-9A>C (NM_201266.2, NM_201279.2, NM_018534.4 and 2 more transcripts).
Identifiers: ClinVar variation 3052937 (VCV003052937.2), dbSNP rs373338064, ClinGen allele CA2068984.

ClinVar aggregate classification (germline): Likely benign (0 of 4 stars; one submission).

Conditions:
NRP2-related disorder. Also called: NRP2-related condition.

Allele frequency attached by ClinVar (database versions not stated): gnomAD 0.00001; ExAC 0.00005; 1000 Genomes Project 30x 0.00016; 1000 Genomes Project 0.00020.
gnomAD v4.1: 16 of 1,611,556 alleles (0.00099%); highest among the groups gnomAD compares: South Asian, 0.012%; no homozygotes.

Submission:

PreventionGenetics, part of Exact Sciences
Classification: Likely benign for NRP2-related condition. Last evaluated: 2023-10-13. Review status: no assertion criteria provided. Collection method: clinical testing. Allele origin: germline.
Comment: This variant is classified as likely benign based on ACMG/AMP sequence variant interpretation guidelines (Richards et al. 2015 PMID: 25741868, with internal and published modifications).